The following is an entry in ClinVar:

NM_001010909.5(MUC21):c.1149G>C (p.Val383=)

Genes: MUC21 (mucin 21, cell surface associated; plus strand), LOC126859647 (CDK7 strongly-dependent group 2 enhancer GRCh37_chr6:30954612-30955811; plus strand). Cytogenetic location: 6p21.33.
Variant type: single nucleotide variant.
Coding change: c.1149G>C on transcript NM_001010909.5 (MANE Select); coding-DNA position 1149, G replaced by C.
Protein change: p.Val383=; no amino-acid change (valine 383 retained).
Molecular consequence: synonymous variant. On other transcripts: non-coding transcript variant (1).
Genome position (GRCh38, 1-based): chr6:30,987,324, G>C. VCF-style: chr6-30987324-G-C. GRCh37 (hg19) VCF-style: chr6-30955101-G-C.
Identifiers: ClinVar variation 3388193 (VCV003388193.14).

ClinVar aggregate classification (germline): Likely benign (1 of 4 stars; one submission).

Submission:

CeGaT Center for Human Genetics Tuebingen
Classification: Likely benign. Last evaluated: 2025-02-01. Review status: criteria provided, single submitter. Criteria: CeGaT Center For Human Genetics Tuebingen Variant Classification Criteria Version 2. Collection method: clinical testing. Allele origin: germline. Affected: yes. Observed: 2 variant alleles.
Comment: MUC21: BP4, BP7